The following is an entry in ClinVar:

ClinVar aggregate classification (germline): Pathogenic/Likely pathogenic. Review status: criteria provided, multiple submitters, no conflicts (2 of 4 stars). 62 submissions from 55 submitters: Pathogenic (47); Likely pathogenic (1). 14 of the submissions do not count toward it. Last evaluated 2026-06-01.

Conditions:
Sensory ataxic neuropathy, dysarthria, and ophthalmoparesis (SANDO). Also called: Epilepsy, progressive myoclonic, type 5; SENSORY ATAXIC NEUROPATHY WITH MITOCHONDRIAL DNA DELETIONS, AUTOSOMAL RECESSIVE; Sensory ataxic neuropathy-dysarthria-ophthalmoparesis syndrome; Ataxia Neuropathy Spectrum (ANS). Identifiers: Orphanet 70595, MedGen C1843851, MONDO:0011835, OMIM 607459.
Progressive sclerosing poliodystrophy (MTDPS4A). Also called: Alpers-Huttenlocher Syndrome; Mitochondrial DNA Depletion Syndrome 4A; NEURONAL DEGENERATION OF CHILDHOOD WITH LIVER DISEASE, PROGRESSIVE; Alpers-Huttenlocher Syndrome (AHS); ALPERS PROGRESSIVE INFANTILE POLIODYSTROPHY; ALPERS DIFFUSE DEGENERATION OF CEREBRAL GRAY MATTER WITH HEPATIC CIRRHOSIS. Identifiers: Orphanet 726, MedGen C0205710, MONDO:0008758, OMIM 203700.
Mitochondrial DNA depletion syndrome 4b. Also called: Mitochondrial Neurogastrointestinal Encephalopathy Disease, POLG-Related; MNGIE, POLG-RELATED. Identifiers: Orphanet 298, MedGen C3150914, MONDO:0013350, OMIM 613662.
Progressive external ophthalmoplegia with mitochondrial DNA deletions, autosomal recessive 1 (PEOB1). Also called: Autosomal Recessive Progressive External Ophthalmoplegia (arPEO); Progressive external ophthalmoplegia, autosomal recessive 1. Identifiers: Orphanet 254886, MedGen C4225153, MONDO:0009783, OMIM 258450.
Inborn genetic diseases. Identifiers: MedGen C0950123, MeSH D030342.
POLG-related disorder. Also called: POLG-related condition; POLG-Related Disorders; POLG-Related Spectrum Disorders. Identifiers: MedGen C4763519.
Progressive external ophthalmoplegia with mitochondrial DNA deletions, autosomal dominant 1 (PEOA1). Also called: Autosomal Dominant Progressive External Ophthalmoplegia (adPEO); PROGRESSIVE EXTERNAL OPHTHALMOPLEGIA, AUTOSOMAL DOMINANT 1. Identifiers: MedGen C1834846, MONDO:0024528, OMIM 157640.
Hereditary spastic paraplegia. Also called: Familial spastic paraparesis. Identifiers: Orphanet 685, MedGen C0037773, MONDO:0019064. Disease mechanism: loss of function.
Mitochondrial disease. Also called: Mitochondrial disorders; Mitochondrial disorder. Identifiers: Orphanet 68380, MedGen C0751651, MeSH D028361, MONDO:0044970.
Spinocerebellar ataxia with epilepsy. Also called: Myoclonic Epilepsy Myopathy Sensory Ataxia (MEMSA). Identifiers: Orphanet 254881, MedGen C1843852, MONDO:0016809.
Tip-toe gait. Also called: Toe walking. Identifiers: MedGen C0427144, HP:0030051.
Intellectual disability. Also called: Intellectual functioning disability; intellectual disabilities; Intellectual developmental disorder. Identifiers: MedGen C3714756, MeSH D008607, MONDO:0001071, HP:0001249.
Neurodevelopmental delay. Identifiers: MedGen C4022738, HP:0012758.

Allele frequency attached by ClinVar (database versions not stated): ExAC 0.00052; TOPMed 0.00063; gnomAD 0.00067 and 0.00068; 1000 Genomes Project 0.00020; 1000 Genomes Project 30x 0.00031; gnomAD exomes 0.00051.
gnomAD v4.1: 1,637 of 1,614,256 alleles (0.1%); highest among the groups gnomAD compares: Non-Finnish European, 0.13%; no homozygotes.

Submissions 1 to 6 of 62:

CeGaT Center for Human Genetics Tuebingen
Classification: Pathogenic. Last evaluated: 2026-06-01. Review status: criteria provided, single submitter. Criteria: CeGaT Center For Human Genetics Tuebingen Variant Classification Criteria Version 2. Collection method: clinical testing. Allele origin: germline. Affected: yes. Observed: 41 variant alleles.
Comment: POLG: PM3:Strong, PP1:Strong, PS3, PM2

PreventionGenetics, part of Exact Sciences
Classification: Pathogenic for POLG-related condition. Last evaluated: 2026-05-22. Review status: criteria provided, single submitter. Criteria: ACMG Guidelines, 2015. Collection method: clinical testing. Allele origin: germline.
Comment: The POLG c.1399G>A variant is predicted to result in the amino acid substitution p.Ala467Thr. This variant has commonly been reported to be causative for autosomal recessive POLG-related disorders (Rajakulendran et al. 2016. PubMed ID: 26735972; Saneto et al. 2010. PubMed ID: 20138553; Van Goethem et al. 2001. PubMed ID: 11431686; Ferrari et al. 2005. PubMed ID: 15689359; Chan et al. 2005. PubMed ID: 16024923). In vitro functional studies have shown that this variant leads to loss of activity and binding affinity (Chan et al. 2005. PubMed ID: 16024923; Luoma et al. 2005. PubMed ID: 15917273; Kasahara et al. 2017. PubMed ID: 27987238). This variant is reported in 0.098% of alleles in individuals of European (non-Finnish) descent in gnomAD. This variant is interpreted as pathogenic.

Broad Center for Mendelian Genomics, Broad Institute of MIT and Harvard
Classification: Pathogenic for Progressive external ophthalmoplegia with mitochondrial DNA deletions, autosomal recessive 1. Last evaluated: 2026-03-05. Review status: criteria provided, single submitter. Criteria: ACMG Guidelines, 2015. Collection method: research. Allele origin: germline. Inheritance: Autosomal recessive inheritance. Study: GREGoR Consortium.
Comment: The p.Ala467Thr variant in POLG has been reported in the homozygous or compound heterozygous state in >10 individuals with POLG-related disorders {Van Goethem 2001 PMID: 11431686; Luoma 2005 PMID: 15917273; Lax 2012 PMID: 22189570). It has also been identified in 0.1% (1569/1180050) of European chromosomes by gnomAD {). This variant has also been reported in ClinVar (Variation ID 13496). Computational prediction tools and conservation analyses suggest that this variant may impact the protein. In vitro functional studies also support that this variant impacts protein function {Chan 2005 PMID: 16024923; Luoma 2005 PMID: 15917273). In summary, this variant meets criteria to be classified as pathogenic for autosomal recessive POLG-related disorders. ACMG/AMP Criteria applied: PM3_VeryStrong, PP3, PS3_Supporting.

Labcorp Genetics (formerly Invitae), Labcorp
Classification: Pathogenic for Progressive sclerosing poliodystrophy. Last evaluated: 2026-01-28. Review status: criteria provided, single submitter. Criteria: Invitae Variant Classification Sherloc (09022015). Collection method: clinical testing. Allele origin: germline.
Comment: This sequence change replaces alanine, which is neutral and non-polar, with threonine, which is neutral and polar, at codon 467 of the POLG protein (p.Ala467Thr). This variant is present in population databases (rs113994095, gnomAD 0.09%), and has an allele count higher than expected for a pathogenic variant. This missense change has been observed in individual(s) with autosomal recessive POLG-related disorders, Alpers-Huttenlocher syndrome, autosomal recessive progressive external ophthalmoplegia, sensory ataxic neuropathy, dysarthria and ophthalmoplegia (SANDO), and other POLG-related disorders causing epilepsy, ataxia, neuropathy, hepatopathy, and myopathy (PMID: 11431686, 15122711, 15917273, 20691285, 25286830, 26735972). It has also been observed to segregate with disease in related individuals. ClinVar contains an entry for this variant (Variation ID: 13496). Invitae Evidence Modeling of protein sequence and biophysical properties (such as structural, functional, and spatial information, amino acid conservation, physicochemical variation, residue mobility, and thermodynamic stability) has been performed for this missense variant. However, the output from this modeling did not meet the statistical confidence thresholds required to predict the impact of this variant on POLG protein function. Experimental studies have shown that this missense change affects POLG function (PMID: 15917273, 16024923). For these reasons, this variant has been classified as Pathogenic.

Center for Genomic Medicine, Rigshospitalet, Copenhagen University Hospital
Classification: Pathogenic. Last evaluated: 2025-12-29. Review status: criteria provided, single submitter. Criteria: ACMG Guidelines, 2015. Collection method: clinical testing. Allele origin: germline.

Dasa
Classification: Pathogenic. Last evaluated: 2025-12-26. Review status: criteria provided, single submitter. Criteria: DASA Assertion Criteria. Collection method: clinical testing. Allele origin: germline.
Comment: NM_002693.3(POLG):c.1399G>A (p.Ala467Thr) is a missense variant that results in the substitution of alanine with threonine. This variant has been observed in affected individuals with related phenotype in a genotype context consistent with recessive disease (PMID: 11431686; PMID: 15122711; PMID: 15917273; PMID: 20691285; PMID: 16024923). Functional evidence supports a deleterious effect on the gene or gene product (PMID: 11431686; PMID: 15122711; PMID: 15917273; PMID: 20691285; PMID: 16024923). This variant has been recurrently observed in individuals with related phenotype (PMID: 11431686; PMID: 15122711; PMID: 15917273; PMID: 20691285; PMID: 16024923). Multiple computational predictions support a deleterious effect on the gene or gene product. The variant is present at low frequency in population datasets. Based on the available data, this variant is classified as pathogenic.

NM_002693.3(POLG):c.1399G>A (p.Ala467Thr)

Gene: POLG (DNA polymerase gamma, catalytic subunit; minus strand). Cytogenetic location: 15q26.1.
Variant type: single nucleotide variant.
Coding change: c.1399G>A on transcript NM_002693.3 (MANE Select); coding-DNA position 1399, G replaced by A.
Protein change: p.Ala467Thr; replaces alanine 467 with threonine.
Molecular consequence: missense variant.
Genome position (GRCh38, 1-based): chr15:89,327,201, C>T on the plus strand (G>A on the coding strand, the complement: POLG is on the minus strand). VCF-style: chr15-89327201-C-T. GRCh37 (hg19) VCF-style: chr15-89870432-C-T.
Other names: p.A467T:GCC>ACC; NM_002693.3(POLG):c.1399G>A; c.1399G>A (LRG_765t1); c.1399G>A, p.Ala467Thr (NM_001126131.2); short protein forms A467T.
Identifiers: ClinVar variation 13496 (VCV000013496.131), dbSNP rs113994095, ClinGen allele CA123140.